The following is an entry in ClinVar:

NM_002769.5(PRSS1):c.75T>C (p.Val25=)

Genes: PRSS1 (serine protease 1; plus strand), TRB (T cell receptor beta locus; plus strand). Cytogenetic location: 7q34.
Variant type: single nucleotide variant.
Coding change: c.75T>C on transcript NM_002769.5 (MANE Select); coding-DNA position 75, T replaced by C.
Protein change: p.Val25=; no amino-acid change (valine 25 retained).
Molecular consequence: synonymous variant.
Genome position (GRCh38, 1-based): chr7:142,750,589, T>C. VCF-style: chr7-142750589-T-C. GRCh37 (hg19) VCF-style: chr7-142458440-T-C.
Identifiers: ClinVar variation 618849 (VCV000618849.12), dbSNP rs1249340827, ClinGen allele CA458522908.

ClinVar aggregate classification (germline): Likely benign. Review status: criteria provided, multiple submitters, no conflicts (2 of 4 stars). 3 submissions from 3 submitters: Likely benign (3). Last evaluated 2025-02-11.

Conditions:
Hereditary pancreatitis (PCTT). Also called: Hereditary chronic pancreatitis; PRSS1-Related Hereditary Pancreatitis. Identifiers: Orphanet 676, MedGen C0238339, MONDO:0008185, OMIM 167800.

Allele frequency attached by ClinVar (database versions not stated): gnomAD 0.00006.

Submissions (3):

Labcorp Genetics (formerly Invitae), Labcorp
Classification: Likely benign for Hereditary pancreatitis. Last evaluated: 2025-02-11. Review status: criteria provided, single submitter. Criteria: Invitae Variant Classification Sherloc (09022015). Collection method: clinical testing. Allele origin: germline.

Ambry Genetics
Classification: Likely benign for Hereditary pancreatitis. Last evaluated: 2022-07-19. Review status: criteria provided, single submitter. Criteria: Ambry Variant Classification Scheme 2023. Collection method: clinical testing. Allele origin: germline.

ARUP Laboratories, Molecular Genetics and Genomics, ARUP Laboratories
Classification: Likely benign. Last evaluated: 2018-06-12. Review status: criteria provided, single submitter. Criteria: ARUP Molecular Germline Variant Investigation Process. Collection method: clinical testing. Allele origin: germline.
Comment: The PRSS1 c.75T>C; p.Val25Val variant, to our knowledge, is not reported in the medical literature or gene specific databases. This variant is also absent from the general population databases (1000 Genomes Project, Exome Variant Server, and Genome Aggregation Database), indicating it is not a common polymorphism. This is a synonymous variant in a weakly conserved nucleotide, and computational analyses (Alamut v.2.11) predict that this variant does not alter splicing. Based on available information, this variant is considered to be likely benign.